The following is an entry in ClinVar:

NM_138713.4(NFAT5):c.1748C>T (p.Pro583Leu)

Gene: NFAT5 (nuclear factor of activated T cells 5; plus strand). Cytogenetic location: 16q22.1.
Variant type: single nucleotide variant.
Coding change: c.1748C>T on transcript NM_138713.4 (MANE Select); coding-DNA position 1748, C replaced by T.
Protein change: p.Pro583Leu; replaces proline 583 with leucine.
Molecular consequence: missense variant.
Genome position (GRCh38, 1-based): chr16:69,684,944, C>T. VCF-style: chr16-69684944-C-T. GRCh37 (hg19) VCF-style: chr16-69718847-C-T.
Other names: c.1745C>T, p.Pro582Leu (NM_001113178.3); c.1073C>T, p.Pro358Leu (NM_001367709.1); c.1694C>T, p.Pro565Leu (NM_006599.4); c.1466C>T, p.Pro489Leu (NM_138714.4, NM_173214.3, NM_173215.3); short protein forms P565L, P582L, P358L, P583L, P489L.
Identifiers: ClinVar variation 2112418 (VCV002112418.4), dbSNP rs2544180721, ClinGen allele CA396502314.
Genomic context (GRCh38, chr16:69,684,944, plus strand): 5'-TAGCAGCAGCTGGTGCTTTGAATGTAAATGTGAAGAAGGAAATATCTAGTCCAGCAAGAC[C>T]TTGCTCTTTTGAAGAGGCCATGAAAGGTACCAAGTAAATTCTTCTCAAAAATCGTAATTG-3'
Protein context (NP_619727.2, residues 573-593): VKKEISSPAR[Pro583Leu]CSFEEAMKAM

ClinVar aggregate classification (germline): Uncertain significance (1 of 4 stars; one submission).

Conditions:
Immunodeficiency. Identifiers: MedGen C0021051, MONDO:0021094, HP:0002721.

Allele frequency attached by ClinVar (database versions not stated): gnomAD exomes below 0.00001.
gnomAD v4.1: 6 of 1,610,842 alleles (0.00037%); highest among the groups gnomAD compares: Non-Finnish European, 0.00042%; no homozygotes.

Submission:

Labcorp Genetics (formerly Invitae), Labcorp
Classification: Uncertain significance for Immunodeficiency. Last evaluated: 2022-03-15. Review status: criteria provided, single submitter. Criteria: Invitae Variant Classification Sherloc (09022015). Collection method: clinical testing. Allele origin: germline.
Comment: This variant is not present in population databases (gnomAD no frequency). In summary, the available evidence is currently insufficient to determine the role of this variant in disease. Therefore, it has been classified as a Variant of Uncertain Significance. Algorithms developed to predict the effect of missense changes on protein structure and function (SIFT, PolyPhen-2, Align-GVGD) all suggest that this variant is likely to be tolerated. This variant has not been reported in the literature in individuals affected with NFAT5-related conditions. This sequence change replaces proline, which is neutral and non-polar, with leucine, which is neutral and non-polar, at codon 489 of the NFAT5 protein (p.Pro489Leu).